The following is an entry in ClinVar:

NM_014141.6(CNTNAP2):c.2281T>C (p.Tyr761His)

Gene: CNTNAP2 (contactin associated protein 2; plus strand). Cytogenetic location: 7q35.
Variant type: single nucleotide variant.
Coding change: c.2281T>C on transcript NM_014141.6 (MANE Select); coding-DNA position 2281, T replaced by C.
Protein change: p.Tyr761His; replaces tyrosine 761 with histidine.
Molecular consequence: missense variant.
Genome position (GRCh38, 1-based): chr7:147,977,887, T>C. VCF-style: chr7-147977887-T-C. GRCh37 (hg19) VCF-style: chr7-147674979-T-C.
Other names: short protein forms Y761H.
Identifiers: ClinVar variation 426286 (VCV000426286.6), dbSNP rs1085307540, ClinGen allele CA369927602.

ClinVar aggregate classification (germline): Uncertain significance. Review status: criteria provided, multiple submitters, no conflicts (2 of 4 stars). 2 submissions from 2 submitters: Uncertain significance (2). Last evaluated 2025-09-26.

Conditions:
Inborn genetic diseases. Identifiers: MedGen C0950123, MeSH D030342.

Allele frequency attached by ClinVar (database versions not stated): gnomAD exomes below 0.00001; TOPMed 0.00001; gnomAD 0.00002.
gnomAD v4.1: 6 of 1,614,032 alleles (0.00037%); highest among the groups gnomAD compares: African/African-American, 0.008%; no homozygotes.

Submissions (2):

Ambry Genetics
Classification: Uncertain significance for Inborn genetic diseases. Last evaluated: 2025-09-26. Review status: criteria provided, single submitter. Criteria: Ambry Variant Classification Scheme 2023. Collection method: clinical testing. Allele origin: germline.

GeneDx
Classification: Uncertain significance. Last evaluated: 2023-04-25. Review status: criteria provided, single submitter. Criteria: GeneDx Variant Classification Process June 2021. Collection method: clinical testing. Allele origin: germline. Affected: yes.
Comment: Not observed at significant frequency in large population cohorts (gnomAD); In silico analysis supports that this missense variant does not alter protein structure/function; Has not been previously published as pathogenic or benign to our knowledge